The following is an entry in ClinVar:

ClinVar aggregate classification (germline): Pathogenic (1 of 4 stars; one submission).

Conditions:
Inborn genetic diseases. Identifiers: MedGen C0950123, MeSH D030342.

Submission:

Ambry Genetics
Classification: Pathogenic for Inborn genetic diseases. Last evaluated: 2025-04-23. Review status: criteria provided, single submitter. Criteria: Ambry Variant Classification Scheme 2023. Collection method: clinical testing. Allele origin: germline.
Comment: The c.3831dupA (p.E1278Rfs*13) alteration, located in exon 14 (coding exon 13) of the SETD1A gene, consists of a duplication of A at position 3831, causing a translational frameshift with a predicted alternate stop codon after 13 amino acids. This alteration is expected to result in loss of function by premature protein truncation or nonsense-mediated mRNA decay. This variant was not reported in population-based cohorts in the Genome Aggregation Database (gnomAD). Based on the available evidence, this alteration is classified as pathogenic.

NM_014712.3(SETD1A):c.3831dup (p.Glu1278fs)

Gene: SETD1A (SET domain containing 1A, histone lysine methyltransferase; plus strand). Cytogenetic location: 16p11.2.
Variant type: Duplication.
Coding change: c.3831dup on transcript NM_014712.3 (MANE Select); coding-DNA position 3831, one base duplicated (A; older notation c.3831dupA).
Protein change: p.Glu1278fs; shifts the reading frame from glutamic acid 1278.
Molecular consequence: frameshift variant.
Genome position (GRCh38, 1-based): chr16:30,979,617, A duplicated. VCF-style (leftmost placement, unchanged base first): chr16-30979616-C-CA. GRCh37 (hg19) VCF-style: chr16-30990937-C-CA.
Other names: short protein forms E1278fs.
Identifiers: ClinVar variation 3952794 (VCV003952794.1).